The following is an entry in ClinVar:

NM_182700.6(SP8):c.1485G>A (p.Leu495=)

Gene: SP8 (Sp8 transcription factor; minus strand). Cytogenetic location: 7p21.1.
Variant type: single nucleotide variant.
Coding change: c.1485G>A on transcript NM_182700.6 (MANE Select); coding-DNA position 1485, G replaced by A.
Protein change: p.Leu495=; no amino-acid change (leucine 495 retained).
Molecular consequence: synonymous variant.
Genome position (GRCh38, 1-based): chr7:20,784,332, C>T on the plus strand (G>A on the coding strand, the complement: SP8 is on the minus strand). VCF-style: chr7-20784332-C-T. GRCh37 (hg19) VCF-style: chr7-20823951-C-T.
Other names: c.1431G>A, p.Leu477= (NM_198956.4).
Identifiers: ClinVar variation 3042795 (VCV003042795.9), dbSNP rs148247510, ClinGen allele CA4177803.

ClinVar aggregate classification (germline): Likely benign. Review status: criteria provided, single submitter (1 of 4 stars). 2 submissions from 2 submitters: Likely benign (1). 1 of the submissions does not count toward it. Last evaluated 2025-03-01.

Conditions:
SP8-related disorder. Also called: SP8-related condition.

Allele frequency attached by ClinVar (database versions not stated): ExAC 0.00019; 1000 Genomes Project 0.00040; 1000 Genomes Project 30x 0.00047; gnomAD 0.00150; TOPMed 0.00172; gnomAD exomes 0.00282.
gnomAD v4.1: 4,013 of 1,506,670 alleles (0.27%); highest among the groups gnomAD compares: Non-Finnish European, 0.33%; 5 homozygotes.

Submissions (2):

CeGaT Center for Human Genetics Tuebingen
Classification: Likely benign. Last evaluated: 2025-03-01. Review status: criteria provided, single submitter. Criteria: CeGaT Center For Human Genetics Tuebingen Variant Classification Criteria Version 2. Collection method: clinical testing. Allele origin: germline. Affected: yes. Observed: 1 variant allele.
Comment: SP8: BP4, BP7

PreventionGenetics, part of Exact Sciences
Classification: Likely benign for SP8-related condition. Last evaluated: 2019-06-21. Review status: no assertion criteria provided. Collection method: clinical testing. Allele origin: germline. Not counted in ClinVar's aggregate classification.
Comment: This variant is classified as likely benign based on ACMG/AMP sequence variant interpretation guidelines (Richards et al. 2015 PMID: 25741868, with internal and published modifications).